The following is an entry in ClinVar:

NM_017813.5(BPNT2):c.31C>G (p.Leu11Val)

Genes: BPNT2 (3'(2'), 5'-bisphosphate nucleotidase 2; minus strand), LOC130000433 (ATAC-STARR-seq lymphoblastoid silent region 19212; plus strand). Cytogenetic location: 8q12.1.
Variant type: single nucleotide variant.
Coding change: c.31C>G on transcript NM_017813.5 (MANE Select); coding-DNA position 31, C replaced by G.
Protein change: p.Leu11Val; replaces leucine 11 with valine.
Molecular consequence: missense variant.
Genome position (GRCh38, 1-based): chr8:56,993,555, G>C on the plus strand (C>G on the coding strand, the complement: BPNT2 is on the minus strand). VCF-style: chr8-56993555-G-C. GRCh37 (hg19) VCF-style: chr8-57906114-G-C.
Other names: short protein forms L11V.
Identifiers: ClinVar variation 1681112 (VCV001681112.6), dbSNP rs2129207477, ClinGen allele CA371386551.

ClinVar aggregate classification (germline): Uncertain significance (1 of 4 stars; one submission).

Submission:

Labcorp Genetics (formerly Invitae), Labcorp
Classification: Uncertain significance. Last evaluated: 2023-08-30. Review status: criteria provided, single submitter. Criteria: Invitae Variant Classification Sherloc (09022015). Collection method: clinical testing. Allele origin: germline.
Comment: In summary, the available evidence is currently insufficient to determine the role of this variant in disease. Therefore, it has been classified as a Variant of Uncertain Significance. An algorithm developed to predict the effect of missense changes on protein structure and function (PolyPhen-2) suggests that this variant is likely to be tolerated. ClinVar contains an entry for this variant (Variation ID: 1681112). This variant has not been reported in the literature in individuals affected with IMPAD1-related conditions. This variant is not present in population databases (gnomAD no frequency). This sequence change replaces leucine, which is neutral and non-polar, with valine, which is neutral and non-polar, at codon 11 of the IMPAD1 protein (p.Leu11Val).